The following is an entry in ClinVar:

NM_015354.3(NUP188):c.2440G>A (p.Val814Met)

Gene: NUP188 (nucleoporin 188; plus strand). Cytogenetic location: 9q34.11.
Variant type: single nucleotide variant.
Coding change: c.2440G>A on transcript NM_015354.3 (MANE Select); coding-DNA position 2440, G replaced by A.
Protein change: p.Val814Met; replaces valine 814 with methionine.
Molecular consequence: missense variant.
Genome position (GRCh38, 1-based): chr9:128,988,093, G>A. VCF-style: chr9-128988093-G-A. GRCh37 (hg19) VCF-style: chr9-131750372-G-A.
Other names: short protein forms V814M.
Identifiers: ClinVar variation 2574788 (VCV002574788.2), dbSNP rs759052168, ClinGen allele CA5272654.

ClinVar aggregate classification (germline): Uncertain significance (1 of 4 stars; one submission).

Allele frequency attached by ClinVar (database versions not stated): ExAC 0.00001; gnomAD 0.00001.
gnomAD v4.1: 3 of 1,614,126 alleles (0.00019%); highest among the groups gnomAD compares: Non-Finnish European, 0.00025%; no homozygotes.

Submission:

GeneDx
Classification: Uncertain significance. Last evaluated: 2025-05-14. Review status: criteria provided, single submitter. Criteria: GeneDx Variant Classification Process June 2021. Collection method: clinical testing. Allele origin: germline. Affected: yes.
Comment: Not observed at significant frequency in large population cohorts (gnomAD); In silico analysis suggests that this missense variant does not alter protein structure/function; Has not been previously published as pathogenic or benign to our knowledge